The following is an entry in ClinVar:

ClinVar aggregate classification (germline): Benign. Review status: criteria provided, multiple submitters, no conflicts (2 of 4 stars). 2 submissions from 2 submitters: Benign (2). Last evaluated 2018-01-13.

Conditions:
Immunodeficiency due to CD25 deficiency. Also called: IMMUNODEFICIENCY 41 WITH LYMPHOPROLIFERATION AND AUTOIMMUNITY; CD25 DEFICIENCY; IL2RA DEFICIENCY. Identifiers: Orphanet 169100, MedGen C1853392, MONDO:0011664, OMIM 606367.

Allele frequency attached by ClinVar (database versions not stated): 1000 Genomes Project 30x 0.11040; 1000 Genomes Project 0.11122; gnomAD 0.15795; TOPMed 0.16273; gnomAD exomes 0.19737.
gnomAD v4.1: 25,064 of 152,340 alleles (16%); highest among the groups gnomAD compares: Middle Eastern, 26%; 2,747 homozygotes.

Submissions (2):

Illumina Laboratory Services, Illumina
Classification: Benign for Immunodeficiency due to CD25 deficiency. Last evaluated: 2018-01-13. Review status: criteria provided, single submitter. Criteria: ICSL Variant Classification Criteria 13 December 2019. Collection method: clinical testing. Allele origin: germline.
Comment: This variant was observed in the ICSL laboratory as part of a predisposition screen in an ostensibly healthy population. It had not been previously curated by ICSL or reported in the Human Gene Mutation Database (HGMD: prior to June 1st, 2018), and was therefore a candidate for classification through an automated scoring system. Utilizing variant allele frequency, disease prevalence and penetrance estimates, and inheritance mode, an automated score was calculated to assess if this variant is too frequent to cause the disease. Based on the score and internal cut-off values, a variant classified as benign is not then subjected to further curation. The score for this variant resulted in a classification of benign for this disease.

Breakthrough Genomics
Classification: Benign. Review status: criteria provided, single submitter. Criteria: ACMG Guidelines, 2015. Collection method: not provided. Allele origin: germline. Inheritance: Autosomal recessive inheritance. Affected: yes.

NM_000417.3(IL2RA):c.*1702C>T

Gene: IL2RA (interleukin 2 receptor subunit alpha; minus strand). Cytogenetic location: 10p15.1.
Variant type: single nucleotide variant.
Coding change: c.*1702C>T on transcript NM_000417.3 (MANE Select); 1702 bases downstream of the stop codon, C replaced by T.
Molecular consequence: 3 prime UTR variant.
Genome position (GRCh38, 1-based): chr10:6,011,170, G>A on the plus strand (C>T on the coding strand, the complement: IL2RA is on the minus strand). VCF-style: chr10-6011170-G-A. GRCh37 (hg19) VCF-style: chr10-6053133-G-A.
Other names: c.*1702C>T (NM_001308242.2, NM_001308243.2).
Identifiers: ClinVar variation 300217 (VCV000300217.6), dbSNP rs12722606, ClinGen allele CA10635978.